The following is an entry in ClinVar:

NM_024577.4(SH3TC2):c.*10863C>T

Gene: SH3TC2 (SH3 domain and tetratricopeptide repeats 2; minus strand). Cytogenetic location: 5q32.
Variant type: single nucleotide variant.
Coding change: c.*10863C>T on transcript NM_024577.4 (MANE Select); 10863 bases downstream of the stop codon, C replaced by T.
Molecular consequence: 3 prime UTR variant.
Genome position (GRCh38, 1-based): chr5:148,993,848, G>A on the plus strand (C>T on the coding strand, the complement: SH3TC2 is on the minus strand). VCF-style: chr5-148993848-G-A. GRCh37 (hg19) VCF-style: chr5-148373411-G-A.
Identifiers: ClinVar variation 351704 (VCV000351704.5), dbSNP rs181346624, ClinGen allele CA10619481.

ClinVar aggregate classification (germline): Conflicting classifications of pathogenicity. Review status: criteria provided, conflicting classifications (1 of 4 stars). 2 submissions from 1 submitter: Uncertain significance (1); Likely benign (1). Last evaluated 2018-01-13.

Conditions:
Charcot-Marie-Tooth disease type 4C (CMT4C). Also called: CHARCOT-MARIE-TOOTH DISEASE, DEMYELINATING, AUTOSOMAL RECESSIVE, TYPE 4C; CMT 4C; Charcot-Marie-Tooth Neuropathy Type 4C (CMT4C); CHARCOT-MARIE-TOOTH DISEASE, DEMYELINATING, TYPE 4C; SH3TC2-Related Hereditary Motor and Sensory Neuropathy. Identifiers: Orphanet 99949, MedGen C1866636, MONDO:0011113, OMIM 601596.
Susceptibility to mononeuropathy of the median nerve, mild. Also called: CARPAL TUNNEL SYNDROME, SUSCEPTIBILITY TO. Identifiers: MedGen C3150596, MONDO:0013237, OMIM 613353.

Allele frequency attached by ClinVar (database versions not stated): gnomAD 0.00009 and 0.00010; TOPMed 0.00011; 1000 Genomes Project 30x 0.00031; 1000 Genomes Project 0.00040.
gnomAD v4.1: 15 of 152,216 alleles (0.0099%); highest among the groups gnomAD compares: East Asian, 0.13%; no homozygotes.

Submissions (2):

Illumina Laboratory Services, Illumina
Classification: Uncertain significance for Charcot-Marie-Tooth disease type 4C. Last evaluated: 2018-01-13. Review status: criteria provided, single submitter. Criteria: ICSL Variant Classification Criteria 13 December 2019. Collection method: clinical testing. Allele origin: germline.

Illumina Laboratory Services, Illumina
Classification: Likely benign for Susceptibility to mononeuropathy of the median nerve, mild. Last evaluated: 2018-01-13. Review status: criteria provided, single submitter. Criteria: ICSL Variant Classification Criteria 13 December 2019. Collection method: clinical testing. Allele origin: germline.
Comment: This variant was observed in the ICSL laboratory as part of a predisposition screen in an ostensibly healthy population. It had not been previously curated by ICSL or reported in the Human Gene Mutation Database (HGMD: prior to June 1st, 2018), and was therefore a candidate for classification through an automated scoring system. Utilizing variant allele frequency, disease prevalence and penetrance estimates, and inheritance mode, an automated score was calculated to assess if this variant is too frequent to cause the disease. Based on the score and internal cut-off values, a variant classified as likely benign is not then subjected to further curation. The score for this variant resulted in a classification of likely benign for this disease.